The following is an entry in ClinVar:

NM_001673.5(ASNS):c.692_695dup (p.Lys232fs)

Genes: ASNS (asparagine synthetase (glutamine-hydrolyzing); minus strand), CZ1P-ASNS (CZ1P-ASNS readthrough; minus strand). Cytogenetic location: 7q21.3.
Variant type: Duplication.
Coding change: c.692_695dup on transcript NM_001673.5 (MANE Select); coding-DNA positions 692 to 695, 4 bases duplicated (TGAA; older notation c.692_695dupTGAA).
Protein change: p.Lys232fs; shifts the reading frame from lysine 232.
Molecular consequence: frameshift variant. On other transcripts: non-coding transcript variant (1).
Genome position (GRCh38, 1-based): chr7:97,858,934-97,858,937, TTCA duplicated on the plus strand (TGAA on the coding strand, the reverse complement: ASNS is on the minus strand). VCF-style (leftmost placement, unchanged base first): chr7-97858933-C-CTTCA. GRCh37 (hg19) VCF-style: chr7-97488245-C-CTTCA.
Other names: c.629_632dup, p.Lys211fs (NM_001178075.2); c.443_446dup, p.Lys149fs (NM_001178076.2, NM_001178077.1); c.692_695dup, p.Lys232fs (NM_001352496.2, NM_133436.3, NM_183356.4); short protein forms K149fs, K211fs, K232fs.
Identifiers: ClinVar variation 2087641 (VCV002087641.4), dbSNP rs2484659748, ClinGen allele CA2580077931.

ClinVar aggregate classification (germline): Pathogenic (1 of 4 stars; one submission).

Submission:

Labcorp Genetics (formerly Invitae), Labcorp
Classification: Pathogenic. Last evaluated: 2024-02-05. Review status: criteria provided, single submitter. Criteria: Invitae Variant Classification Sherloc (09022015). Collection method: clinical testing. Allele origin: germline.
Comment: This sequence change creates a premature translational stop signal (p.Lys232Asnfs*10) in the ASNS gene. It is expected to result in an absent or disrupted protein product. Loss-of-function variants in ASNS are known to be pathogenic (PMID: 27422383, 30057589). This variant is not present in population databases (gnomAD no frequency). This variant has not been reported in the literature in individuals affected with ASNS-related conditions. ClinVar contains an entry for this variant (Variation ID: 2087641). For these reasons, this variant has been classified as Pathogenic.

Literature cited by the submitters: PubMed 27422383; PubMed 30057589.